The following is an entry in ClinVar:

ClinVar aggregate classification (germline): Uncertain significance. Review status: criteria provided, multiple submitters, no conflicts (2 of 4 stars). 2 submissions from 2 submitters: Uncertain significance (2). Last evaluated 2022-01-04.

Conditions:
Epidermolysis bullosa simplex 3, localized or generalized intermediate, with BP230 deficiency (EBS3). Also called: Epidermolysis bullosa simplex due to BP230 deficiency; Epidermolysis bullosa simplex, autosomal recessive 2. Identifiers: Orphanet 412181, MedGen C3809470, MONDO:0014180, OMIM 615425.
Hereditary sensory and autonomic neuropathy type 6. Also called: Neuropathy, hereditary sensory and autonomic, type VI; HSAN VI. Identifiers: Orphanet 314381, MedGen C3539003, MONDO:0013839, OMIM 614653.

Submissions (2):

Labcorp Genetics (formerly Invitae), Labcorp
Classification: Uncertain significance for Epidermolysis bullosa simplex 3, localized or generalized intermediate, with BP230 deficiency; Hereditary sensory and autonomic neuropathy type 6. Last evaluated: 2022-01-04. Review status: criteria provided, single submitter. Criteria: Invitae Variant Classification Sherloc (09022015). Collection method: clinical testing. Allele origin: germline.
Comment: The DST gene has multiple clinically relevant transcripts. This variant occurs in alternate transcript NM_015548.4, and corresponds to NM_001723.5:c.*63015G>T in the primary transcript. This sequence change replaces lysine, which is basic and polar, with asparagine, which is neutral and polar, at codon 2807 of the DST protein (p.Lys2807Asn). This variant is not present in population databases (gnomAD no frequency). This variant has not been reported in the literature in individuals affected with DST-related conditions. Experimental studies and prediction algorithms are not available or were not evaluated, and the functional significance of this variant is currently unknown. In summary, the available evidence is currently insufficient to determine the role of this variant in disease. Therefore, it has been classified as a Variant of Uncertain Significance.

Blueprint Genetics
Classification: Uncertain significance. Last evaluated: 2021-04-30. Review status: criteria provided, single submitter. Criteria: ACMG Guidelines, 2015. Collection method: clinical testing. Allele origin: germline.

NM_001374736.1(DST):c.16290G>T (p.Lys5430Asn)

Gene: DST (dystonin; minus strand). Cytogenetic location: 6p12.1.
Variant type: single nucleotide variant.
Coding change: c.16290G>T on transcript NM_001374736.1 (MANE Select); coding-DNA position 16290, G replaced by T.
Protein change: p.Lys5430Asn; replaces lysine 5430 with asparagine.
Molecular consequence: missense variant.
Genome position (GRCh38, 1-based): chr6:56,552,502, C>A on the plus strand (G>T on the coding strand, the complement: DST is on the minus strand). VCF-style: chr6-56552502-C-A. GRCh37 (hg19) VCF-style: chr6-56417300-C-A.
Other names: c.9933G>T, p.Lys3311Asn (NM_001144769.5); c.9519G>T, p.Lys3173Asn (NM_001144770.2); c.16290G>T, p.Lys5430Asn (NM_001374722.1); c.15657G>T, p.Lys5219Asn (NM_001374729.1); c.9399G>T, p.Lys3133Asn (NM_001374730.1, NM_001386100.1, NM_183380.4); c.16317G>T, p.Lys5439Asn (NM_001374734.1); c.8421G>T, p.Lys2807Asn (NM_015548.5); short protein forms K3173N, K2807N, K3133N, K3311N, K5219N, K5430N, K5439N.
Identifiers: ClinVar variation 2050565 (VCV002050565.4), dbSNP rs2535328683, ClinGen allele CA364513936.